The following is an entry in ClinVar:

ClinVar aggregate classification (germline): Conflicting classifications of pathogenicity. Review status: criteria provided, conflicting classifications (1 of 4 stars). 3 submissions from 3 submitters: Uncertain significance (2); Likely benign (1). Last evaluated 2025-03-29.

Conditions:
Hereditary cancer-predisposing syndrome. Also called: Hereditary neoplastic syndrome; Neoplastic Syndromes, Hereditary; Tumor predisposition; Hereditary Cancer Syndrome. Identifiers: Orphanet 140162, MedGen C0027672, MeSH D009386, MONDO:0015356.
Tuberous sclerosis 2 (TSC2). Identifiers: Orphanet 805, MedGen C1860707, MONDO:0013199, OMIM 613254.

Allele frequency attached by ClinVar (database versions not stated): TOPMed 0.00001.
gnomAD v4.1: 1 of 1,614,008 alleles (0.000062%); highest among the groups gnomAD compares: Non-Finnish European, 0.000085%; no homozygotes.

Submissions (3):

Labcorp Genetics (formerly Invitae), Labcorp
Classification: Uncertain significance for Tuberous sclerosis 2. Last evaluated: 2025-03-29. Review status: criteria provided, single submitter. Criteria: Invitae Variant Classification Sherloc (09022015). Collection method: clinical testing. Allele origin: germline.
Comment: This sequence change replaces serine, which is neutral and polar, with arginine, which is basic and polar, at codon 377 of the TSC2 protein (p.Ser377Arg). This variant is not present in population databases (gnomAD no frequency). This variant has not been reported in the literature in individuals affected with TSC2-related conditions. ClinVar contains an entry for this variant (Variation ID: 1002448). Invitae Evidence Modeling of protein sequence and biophysical properties (such as structural, functional, and spatial information, amino acid conservation, physicochemical variation, residue mobility, and thermodynamic stability) indicates that this missense variant is not expected to disrupt TSC2 protein function with a negative predictive value of 95%. In summary, the available evidence is currently insufficient to determine the role of this variant in disease. Therefore, it has been classified as a Variant of Uncertain Significance.

Ambry Genetics
Classification: Uncertain significance for Hereditary cancer-predisposing syndrome. Last evaluated: 2025-01-25. Review status: criteria provided, single submitter. Criteria: Ambry Variant Classification Scheme 2023. Collection method: clinical testing. Allele origin: germline.
Comment: The p.S377R variant (also known as c.1131C>G), located in coding exon 11 of the TSC2 gene, results from a C to G substitution at nucleotide position 1131. The serine at codon 377 is replaced by arginine, an amino acid with dissimilar properties. This amino acid position is well conserved in available vertebrate species. In addition, the in silico prediction for this alteration is inconclusive. Based on the available evidence, the clinical significance of this variant remains unclear.

GeneDx
Classification: Likely benign. Last evaluated: 2022-07-05. Review status: criteria provided, single submitter. Criteria: GeneDx Variant Classification Process June 2021. Collection method: clinical testing. Allele origin: germline. Affected: yes.
Comment: Not observed at significant frequency in large population cohorts (gnomAD); In silico analysis supports that this missense variant does not alter protein structure/function; Has not been previously published as pathogenic or benign to our knowledge; This variant is associated with the following publications: (PMID: 18466115)

NM_000548.5(TSC2):c.1131C>G (p.Ser377Arg)

Gene: TSC2 (TSC complex subunit 2; plus strand). Cytogenetic location: 16p13.3.
Variant type: single nucleotide variant.
Coding change: c.1131C>G on transcript NM_000548.5 (MANE Select); coding-DNA position 1131, C replaced by G.
Protein change: p.Ser377Arg; replaces serine 377 with arginine.
Molecular consequence: missense variant.
Genome position (GRCh38, 1-based): chr16:2,061,882, C>G. VCF-style: chr16-2061882-C-G. GRCh37 (hg19) VCF-style: chr16-2111883-C-G.
Other names: c.1131C>G, p.Ser377Arg (NM_001077183.3, NM_001114382.3, NM_001363528.2 and 3 more transcripts); c.1020C>G, p.Ser340Arg (NM_001318827.2); c.984C>G, p.Ser328Arg (NM_001318829.2); c.531C>G, p.Ser177Arg (NM_001318831.2); c.1164C>G, p.Ser388Arg (NM_001318832.2); short protein forms S177R, S328R, S340R, S377R, S388R.
Identifiers: ClinVar variation 1002448 (VCV001002448.9), dbSNP rs201525586, ClinGen allele CA394319880.